The following is an entry in ClinVar:

ClinVar aggregate classification (germline): Uncertain significance (1 of 4 stars; one submission).

Submission:

Dasa
Classification: Uncertain significance. Last evaluated: 2025-10-03. Review status: criteria provided, single submitter. Criteria: DASA Assertion Criteria. Collection method: clinical testing. Allele origin: germline.
Comment: NM_001281740.3(FHOD3):c.2967G>T (p.Glu989Asp) is a missense variant that results in the substitution of glutamic acid with aspartic acid. This variant is absent from population databases. Computational prediction algorithms are consistent with a benign effect. The currently available literature and clinical evidence are not sufficient to establish a definitive association between this variant and the reported condition. Therefore, this variant is classified as a variant of uncertain significance.

NM_001281740.3(FHOD3):c.2967G>T (p.Glu989Asp)

Gene: FHOD3 (formin homology 2 domain containing 3; plus strand). Cytogenetic location: 18q12.2.
Variant type: single nucleotide variant.
Coding change: c.2967G>T on transcript NM_001281740.3 (MANE Select); coding-DNA position 2967, G replaced by T.
Protein change: p.Glu989Asp; replaces glutamic acid 989 with aspartic acid.
Molecular consequence: missense variant.
Genome position (GRCh38, 1-based): chr18:36,718,265, G>T. VCF-style: chr18-36718265-G-T. GRCh37 (hg19) VCF-style: chr18-34298228-G-T.
Other names: c.2391G>T, p.Glu797Asp (NM_001281739.3); c.2442G>T, p.Glu814Asp (NM_025135.5); short protein forms E797D, E814D, E989D.
Identifiers: ClinVar variation 5020842 (VCV005020842.1).